The following is an entry in ClinVar:

ClinVar aggregate classification (germline): Conflicting classifications of pathogenicity. Review status: criteria provided, conflicting classifications (1 of 4 stars). 3 submissions from 3 submitters: Uncertain significance (1); Likely benign (1). 1 of the submissions does not count toward it. Last evaluated 2025-07-28.

Conditions:
Kabuki syndrome. Also called: Kabuki make-up syndrome; NIIKAWA-KUROKI SYNDROME. Identifiers: Orphanet 2322, MedGen C0796004, MONDO:0016512.
KMT2D-related disorder. Also called: KMT2D-Related Disorders.

Allele frequency attached by ClinVar (database versions not stated): gnomAD 0.00001; ExAC 0.00002; gnomAD exomes 0.00002 and 0.00006; TOPMed 0.00003; ESP Exome Variant Server 0.00008.
gnomAD v4.1: 82 of 1,613,516 alleles (0.0051%); highest among the groups gnomAD compares: Non-Finnish European, 0.0068%; no homozygotes.

Submissions (3):

Women's Health and Genetics/Laboratory Corporation of America, LabCorp
Classification: Uncertain significance. Last evaluated: 2025-07-28. Review status: criteria provided, single submitter. Criteria: LabCorp Variant Classification Summary - May 2015. Collection method: clinical testing. Allele origin: germline.
Comment: Variant summary: KMT2D c.6997C>T (p.Pro2333Ser) results in a non-conservative amino acid change in the encoded protein sequence. Algorithms developed to predict the effect of missense changes on protein structure and function all suggest that this variant is likely to be disruptive. The variant allele was found at a frequency of 2e-05 in 247094 control chromosomes. The available data on variant occurrences in the general population are insufficient to allow any conclusion about variant significance. To our knowledge, no occurrence of c.6997C>T in individuals affected with Kabuki Syndrome 1 and no experimental evidence demonstrating its impact on protein function have been reported. ClinVar contains an entry for this variant (Variation ID: 1415519). Based on the evidence outlined above, the variant was classified as uncertain significance.

Labcorp Genetics (formerly Invitae), Labcorp
Classification: Likely benign for Kabuki syndrome. Last evaluated: 2025-05-26. Review status: criteria provided, single submitter. Criteria: Invitae Variant Classification Sherloc (09022015). Collection method: clinical testing. Allele origin: germline.

PreventionGenetics, part of Exact Sciences
Classification: Uncertain significance for KMT2D-related condition. Last evaluated: 2024-02-27. Review status: no assertion criteria provided. Collection method: clinical testing. Allele origin: germline. Not counted in ClinVar's aggregate classification.
Comment: The KMT2D c.6997C>T variant is predicted to result in the amino acid substitution p.Pro2333Ser. To our knowledge, this variant has not been reported in the literature. This variant is reported in 0.0045% of alleles in individuals of European (Non-Finnish) descent in gnomAD. At this time, the clinical significance of this variant is uncertain due to the absence of conclusive functional and genetic evidence.

NM_003482.4(KMT2D):c.6997C>T (p.Pro2333Ser)

Gene: KMT2D (lysine methyltransferase 2D; minus strand). Cytogenetic location: 12q13.12.
Variant type: single nucleotide variant.
Coding change: c.6997C>T on transcript NM_003482.4 (MANE Select); coding-DNA position 6997, C replaced by T.
Protein change: p.Pro2333Ser; replaces proline 2333 with serine.
Molecular consequence: missense variant.
Genome position (GRCh38, 1-based): chr12:49,040,773, G>A on the plus strand (C>T on the coding strand, the complement: KMT2D is on the minus strand). VCF-style: chr12-49040773-G-A. GRCh37 (hg19) VCF-style: chr12-49434556-G-A.
Other names: c.6997C>T (NM_003482.3); short protein forms P2333S.
Identifiers: ClinVar variation 1415519 (VCV001415519.9), dbSNP rs370380369, ClinGen allele CA6547144.